The following is an entry in ClinVar:

NM_001142864.4(PIEZO1):c.3786C>G (p.Gly1262=)

Gene: PIEZO1 (piezo type mechanosensitive ion channel component 1 (Er blood group); minus strand). Cytogenetic location: 16q24.3.
Variant type: single nucleotide variant.
Coding change: c.3786C>G on transcript NM_001142864.4 (MANE Select); coding-DNA position 3786, C replaced by G.
Protein change: p.Gly1262=; no amino-acid change (glycine 1262 retained).
Molecular consequence: synonymous variant.
Genome position (GRCh38, 1-based): chr16:88,726,557, G>C on the plus strand (C>G on the coding strand, the complement: PIEZO1 is on the minus strand). VCF-style: chr16-88726557-G-C. GRCh37 (hg19) VCF-style: chr16-88792965-G-C.
Other names: c.2328C>G, p.Gly776= (NM_014745.1).
Identifiers: ClinVar variation 3033040 (VCV003033040.2), dbSNP rs1338971785, ClinGen allele CA497365975.

ClinVar aggregate classification (germline): Likely benign (0 of 4 stars; one submission).

Conditions:
PIEZO1-related disorder. Also called: PIEZO1-related condition; PIEZO1-Related Disorders.

Submission:

PreventionGenetics, part of Exact Sciences
Classification: Likely benign for PIEZO1-related condition. Last evaluated: 2023-07-21. Review status: no assertion criteria provided. Collection method: clinical testing. Allele origin: germline.
Comment: This variant is classified as likely benign based on ACMG/AMP sequence variant interpretation guidelines (Richards et al. 2015 PMID: 25741868, with internal and published modifications).